The following is an entry in ClinVar:

NM_000702.4(ATP1A2):c.1965-130G>T

Gene: ATP1A2 (ATPase Na+/K+ transporting subunit alpha 2; plus strand). Cytogenetic location: 1q23.2.
Variant type: single nucleotide variant.
Coding change: c.1965-130G>T on transcript NM_000702.4 (MANE Select); 130 bases into the intron before coding-DNA position 1965, G replaced by T.
Molecular consequence: intron variant.
Genome position (GRCh38, 1-based): chr1:160,135,015, G>T. VCF-style: chr1-160135015-G-T. GRCh37 (hg19) VCF-style: chr1-160104805-G-T.
Identifiers: ClinVar variation 677478 (VCV000677478.1), dbSNP rs185387179, ClinGen allele CA31500830.

ClinVar aggregate classification (germline): Likely benign (1 of 4 stars; one submission).

Allele frequency attached by ClinVar (database versions not stated): 1000 Genomes Project 0.00160; 1000 Genomes Project 30x 0.00172; TOPMed 0.00242; gnomAD 0.00305 and 0.00336; gnomAD exomes 0.00335.
gnomAD v4.1: 3,947 of 1,186,696 alleles (0.33%); highest among the groups gnomAD compares: Non-Finnish European, 0.36%; 10 homozygotes.

Submission:

GeneDx
Classification: Likely benign. Last evaluated: 2018-06-14. Review status: criteria provided, single submitter. Criteria: GeneDx Variant Classification (06012015). Collection method: clinical testing. Allele origin: germline. Affected: yes.
Comment: This variant is considered likely benign or benign based on one or more of the following criteria: it is a conservative change, it occurs at a poorly conserved position in the protein, it is predicted to be benign by multiple in silico algorithms, and/or has population frequency not consistent with disease.